The following is an entry in ClinVar:

ClinVar aggregate classification (germline): Likely benign. Review status: criteria provided, multiple submitters, no conflicts (2 of 4 stars). 2 submissions from 2 submitters: Likely benign (2). Last evaluated 2023-12-29.

Allele frequency attached by ClinVar (database versions not stated): ESP Exome Variant Server 0.00008.
gnomAD v4.1: 84 of 1,613,040 alleles (0.0052%); highest among the groups gnomAD compares: Non-Finnish European, 0.0053%; no homozygotes.

Submissions (2):

Blueprint Genetics
Classification: Likely benign. Last evaluated: 2023-12-29. Review status: criteria provided, single submitter. Criteria: ACMG Guidelines, 2015. Collection method: clinical testing. Allele origin: germline.

CeGaT Center for Human Genetics Tuebingen
Classification: Likely benign. Last evaluated: 2022-06-01. Review status: criteria provided, single submitter. Criteria: CeGaT Center For Human Genetics Tuebingen Variant Classification Criteria Version 2. Collection method: clinical testing. Allele origin: germline. Affected: yes. Observed: 1 variant allele.
Comment: NFIB: BP4, BP7

NM_001190737.2(NFIB):c.687G>A (p.Thr229=)

Gene: NFIB (nuclear factor I B; minus strand). Cytogenetic location: 9p23.
Variant type: single nucleotide variant.
Coding change: c.687G>A on transcript NM_001190737.2 (MANE Select); coding-DNA position 687, G replaced by A.
Protein change: p.Thr229=; no amino-acid change (threonine 229 retained).
Molecular consequence: synonymous variant. On other transcripts: non-coding transcript variant (4), 5 prime UTR variant (1).
Genome position (GRCh38, 1-based): chr9:14,150,264, C>T on the plus strand (G>A on the coding strand, the complement: NFIB is on the minus strand). VCF-style: chr9-14150264-C-T. GRCh37 (hg19) VCF-style: chr9-14150263-C-T.
Other names: c.753G>A, p.Thr251= (NM_001369468.1, NM_001369458.1, NM_001369459.1 and 1 more transcripts); c.543G>A, p.Thr181= (NM_001369469.1); c.450G>A, p.Thr150= (NM_001369470.1, NM_001369478.1); c.687G>A, p.Thr229= (NM_001369471.1, NM_005596.3, NM_001369461.1 and 1 more transcripts); c.675G>A, p.Thr225= (NM_001369472.1, NM_001369473.1, NM_001369460.1 and 2 more transcripts); c.672G>A, p.Thr224= (NM_001369474.1); c.462G>A, p.Thr154= (NM_001369475.1); c.660G>A, p.Thr220= (NM_001369476.1, NM_001369465.1, NM_001369467.1); and 4 more.
Identifiers: ClinVar variation 2659078 (VCV002659078.25), dbSNP rs368309534, ClinGen allele CA4988569.